The following is an entry in ClinVar:

NM_001287491.2(TET3):c.4288G>A (p.Gly1430Arg)

Gene: TET3 (tet methylcytosine dioxygenase 3; plus strand). Cytogenetic location: 2p13.1.
Variant type: single nucleotide variant.
Coding change: c.4288G>A on transcript NM_001287491.2 (MANE Select); coding-DNA position 4288, G replaced by A.
Protein change: p.Gly1430Arg; replaces glycine 1430 with arginine.
Molecular consequence: missense variant.
Genome position (GRCh38, 1-based): chr2:74,101,076, G>A. VCF-style: chr2-74101076-G-A. GRCh37 (hg19) VCF-style: chr2-74328203-G-A.
Other names: c.4009G>A, p.Gly1337Arg (NM_001366022.1); c.3883G>A, p.Gly1295Arg (NM_144993.1); short protein forms G1295R, G1337R, G1430R.
Identifiers: ClinVar variation 2575546 (VCV002575546.1), dbSNP rs753294853, ClinGen allele CA1719194.

ClinVar aggregate classification (germline): Uncertain significance (1 of 4 stars; one submission).

Allele frequency attached by ClinVar (database versions not stated): gnomAD exomes 0.00002; ExAC 0.00004.
gnomAD v4.1: 9 of 1,612,670 alleles (0.00056%); highest among the groups gnomAD compares: Admixed American, 0.015%; no homozygotes.

Submission:

GeneDx
Classification: Uncertain significance. Last evaluated: 2023-02-09. Review status: criteria provided, single submitter. Criteria: GeneDx Variant Classification Process June 2021. Collection method: clinical testing. Allele origin: germline. Affected: yes.
Comment: In silico analysis supports that this missense variant does not alter protein structure/function; Has not been previously published as pathogenic or benign to our knowledge